The following is an entry in ClinVar:

ClinVar aggregate classification (germline): Uncertain significance. Review status: criteria provided, multiple submitters, no conflicts (2 of 4 stars). 2 submissions from 2 submitters: Uncertain significance (2). Last evaluated 2023-10-25.

Conditions:
Inborn genetic diseases. Identifiers: MedGen C0950123, MeSH D030342.

Allele frequency attached by ClinVar (database versions not stated): ExAC 0.00001.
gnomAD v4.1: 6 of 1,611,938 alleles (0.00037%); highest among the groups gnomAD compares: Admixed American, 0.0033%; no homozygotes.

Submissions (2):

Ambry Genetics
Classification: Uncertain significance for Inborn genetic diseases. Last evaluated: 2023-10-25. Review status: criteria provided, single submitter. Criteria: Ambry Variant Classification Scheme 2023. Collection method: clinical testing. Allele origin: germline.

Labcorp Genetics (formerly Invitae), Labcorp
Classification: Uncertain significance. Last evaluated: 2022-04-23. Review status: criteria provided, single submitter. Criteria: Invitae Variant Classification Sherloc (09022015). Collection method: clinical testing. Allele origin: germline.
Comment: This sequence change replaces arginine, which is basic and polar, with glycine, which is neutral and non-polar, at codon 436 of the USH1G protein (p.Arg436Gly). This variant is present in population databases (rs755908331, gnomAD 0.009%). This variant has not been reported in the literature in individuals affected with USH1G-related conditions. Algorithms developed to predict the effect of missense changes on protein structure and function are either unavailable or do not agree on the potential impact of this missense change (SIFT: "Not Available"; PolyPhen-2: "Probably Damaging"; Align-GVGD: "Not Available"). In summary, the available evidence is currently insufficient to determine the role of this variant in disease. Therefore, it has been classified as a Variant of Uncertain Significance.

NM_173477.5(USH1G):c.1306C>G (p.Arg436Gly)

Genes: USH1G (USH1 protein network component sans; minus strand), LOC130061627 (ATAC-STARR-seq lymphoblastoid active region 12722; plus strand). Cytogenetic location: 17q25.1.
Variant type: single nucleotide variant.
Coding change: c.1306C>G on transcript NM_173477.5 (MANE Select); coding-DNA position 1306, C replaced by G.
Protein change: p.Arg436Gly; replaces arginine 436 with glycine.
Molecular consequence: missense variant.
Genome position (GRCh38, 1-based): chr17:74,919,530, G>C on the plus strand (C>G on the coding strand, the complement: USH1G is on the minus strand). VCF-style: chr17-74919530-G-C. GRCh37 (hg19) VCF-style: chr17-72915625-G-C.
Other names: c.997C>G, p.Arg333Gly (NM_001282489.3); c.1306C>G (NM_173477.2); short protein forms R333G, R436G.
Identifiers: ClinVar variation 1966905 (VCV001966905.3), dbSNP rs755908331, ClinGen allele CA8753891.